The following is an entry in ClinVar:

NM_006267.5(RANBP2):c.3908G>C (p.Ser1303Thr)

Gene: RANBP2 (RAN binding protein 2; plus strand). Cytogenetic location: 2q13.
Variant type: single nucleotide variant.
Coding change: c.3908G>C on transcript NM_006267.5 (MANE Select); coding-DNA position 3908, G replaced by C.
Protein change: p.Ser1303Thr; replaces serine 1303 with threonine.
Molecular consequence: missense variant.
Genome position (GRCh38, 1-based): chr2:108,764,447, G>C. VCF-style: chr2-108764447-G-C. GRCh37 (hg19) VCF-style: chr2-109380903-G-C.
Other names: short protein forms S1303T.
Identifiers: ClinVar variation 960166 (VCV000960166.2), dbSNP rs561666429, ClinGen allele CA1823010.

ClinVar aggregate classification (germline): Uncertain significance. Review status: criteria provided, multiple submitters, no conflicts (2 of 4 stars). 2 submissions from 2 submitters: Uncertain significance (2). Last evaluated 2024-05-28.

Conditions:
Familial acute necrotizing encephalopathy (IIAE3). Also called: ENCEPHALOPATHY, ACUTE, INFECTION-INDUCED, SUSCEPTIBILITY TO, 3; Susceptibility to Acute Necrotizing Encephalopathy 1. Identifiers: Orphanet 88619, MedGen C2675556, MONDO:0011953, OMIM 608033.

Allele frequency attached by ClinVar (database versions not stated): gnomAD exomes below 0.00001; ExAC 0.00001.
gnomAD v4.1: 5 of 1,613,974 alleles (0.00031%); highest among the groups gnomAD compares: South Asian, 0.0055%; no homozygotes.

Submissions (2):

Ambry Genetics
Classification: Uncertain significance. Last evaluated: 2024-05-28. Review status: criteria provided, single submitter. Criteria: Ambry Variant Classification Scheme 2023. Collection method: clinical testing. Allele origin: germline.

Labcorp Genetics (formerly Invitae), Labcorp
Classification: Uncertain significance for Encephalopathy, acute, infection-induced, 3, suceptibility to. Last evaluated: 2019-10-15. Review status: criteria provided, single submitter. Criteria: Invitae Variant Classification Sherloc (09022015). Collection method: clinical testing. Allele origin: germline.
Comment: This sequence change replaces serine with threonine at codon 1303 of the RANBP2 protein (p.Ser1303Thr). The serine residue is weakly conserved and there is a small physicochemical difference between serine and threonine. This variant is present in population databases (rs561666429, ExAC 0.006%). This variant has not been reported in the literature in individuals with RANBP2-related conditions. Algorithms developed to predict the effect of missense changes on protein structure and function (SIFT, PolyPhen-2, Align-GVGD) all suggest that this variant is likely to be tolerated, but these predictions have not been confirmed by published functional studies and their clinical significance is uncertain. In summary, the available evidence is currently insufficient to determine the role of this variant in disease. Therefore, it has been classified as a Variant of Uncertain Significance.